The following is an entry in ClinVar:

NM_181078.3(IL21R):c.1052T>C (p.Phe351Ser)

Genes: IL21R (interleukin 21 receptor; plus strand), IL21R-AS1 (IL21R antisense RNA 1; minus strand). Cytogenetic location: 16p12.1.
Variant type: single nucleotide variant.
Coding change: c.1052T>C on transcript NM_181078.3 (MANE Select); coding-DNA position 1052, T replaced by C.
Protein change: p.Phe351Ser; replaces phenylalanine 351 with serine.
Molecular consequence: missense variant. On other transcripts: non-coding transcript variant (1).
Genome position (GRCh38, 1-based): chr16:27,448,718, T>C. VCF-style: chr16-27448718-T-C. GRCh37 (hg19) VCF-style: chr16-27460039-T-C.
Other names: c.1118T>C (NM_181079.4); c.1052T>C, p.Phe351Ser (NM_021798.4); c.1118T>C, p.Phe373Ser (NM_181079.5); short protein forms F351S, F373S.
Identifiers: ClinVar variation 2201659 (VCV002201659.5), dbSNP rs371659579, ClinGen allele CA7975139.
Genomic context (GRCh38, chr16:27,448,718, plus strand): 5'-TCACGGAGCTACAAGAACCAGCAGAGCTGGTGGAGTCTGACGGTGTGCCCAAGCCCAGCT[T>C]CTGGCCGACAGCCCAGAACTCGGGGGGCTCAGCTTACAGTGAGGAGAGGGATCGGCCATA-3'
Protein context (NP_851564.1, residues 341-361): VESDGVPKPS[Phe351Ser]WPTAQNSGGS

ClinVar aggregate classification (germline): Conflicting classifications of pathogenicity. Review status: criteria provided, conflicting classifications (1 of 4 stars). 2 submissions from 2 submitters: Uncertain significance (1); Likely benign (1). Last evaluated 2023-12-11.

Conditions:
Cryptosporidiosis-chronic cholangitis-liver disease syndrome. Also called: Immunodeficiency type 56; IL21R immunodeficiency. Identifiers: Orphanet 357329, MedGen C3554687, MONDO:0014082, OMIM 615207.
Inborn genetic diseases. Identifiers: MedGen C0950123, MeSH D030342.

Allele frequency attached by ClinVar (database versions not stated): gnomAD exomes below 0.00001; ExAC 0.00002.

Submissions (2):

Labcorp Genetics (formerly Invitae), Labcorp
Classification: Uncertain significance for Cryptosporidiosis-chronic cholangitis-liver disease syndrome. Last evaluated: 2023-12-11. Review status: criteria provided, single submitter. Criteria: Invitae Variant Classification Sherloc (09022015). Collection method: clinical testing. Allele origin: germline.
Comment: This sequence change replaces phenylalanine, which is neutral and non-polar, with serine, which is neutral and polar, at codon 351 of the IL21R protein (p.Phe351Ser). This variant is present in population databases (rs371659579, gnomAD 0.02%). This variant has not been reported in the literature in individuals affected with IL21R-related conditions. ClinVar contains an entry for this variant (Variation ID: 2201659). Advanced modeling of protein sequence and biophysical properties (such as structural, functional, and spatial information, amino acid conservation, physicochemical variation, residue mobility, and thermodynamic stability) performed at Invitae indicates that this missense variant is not expected to disrupt IL21R protein function with a negative predictive value of 80%. In summary, the available evidence is currently insufficient to determine the role of this variant in disease. Therefore, it has been classified as a Variant of Uncertain Significance.

Ambry Genetics
Classification: Likely benign for Inborn genetic diseases. Last evaluated: 2021-08-09. Review status: criteria provided, single submitter. Criteria: Ambry Variant Classification Scheme 2023. Collection method: clinical testing. Allele origin: germline.